The following is an entry in ClinVar:

NM_003172.4(SURF1):c.796A>T (p.Thr266Ser)

Gene: SURF1 (SURF1 cytochrome c oxidase assembly factor; minus strand). Cytogenetic location: 9q34.2.
Variant type: single nucleotide variant.
Coding change: c.796A>T on transcript NM_003172.4 (MANE Select); coding-DNA position 796, A replaced by T.
Protein change: p.Thr266Ser; replaces threonine 266 with serine.
Molecular consequence: missense variant.
Genome position (GRCh38, 1-based): chr9:133,352,098, T>A on the plus strand (A>T on the coding strand, the complement: SURF1 is on the minus strand). VCF-style: chr9-133352098-T-A. GRCh37 (hg19) VCF-style: chr9-136218953-T-A.
Other names: c.469A>T, p.Thr157Ser (NM_001280787.1); short protein forms T157S, T266S.
Identifiers: ClinVar variation 1963804 (VCV001963804.5), dbSNP rs1456506504, ClinGen allele CA375693498.

ClinVar aggregate classification (germline): Uncertain significance (1 of 4 stars; one submission).

Conditions:
Leigh syndrome (NULS). Also called: Leigh's necrotizing encephalopathy; Leigh's disease; Leigh Syndrome (mtDNA deletion); Leigh's syndrome; LEIGH SYNDROME, NUCLEAR; Leigh Disease. Identifiers: Orphanet 506, MedGen C2931891, MONDO:0009723, OMIM 256000.

Submission:

Labcorp Genetics (formerly Invitae), Labcorp
Classification: Uncertain significance for Leigh syndrome. Last evaluated: 2022-06-14. Review status: criteria provided, single submitter. Criteria: Invitae Variant Classification Sherloc (09022015). Collection method: clinical testing. Allele origin: germline.
Comment: In summary, the available evidence is currently insufficient to determine the role of this variant in disease. Therefore, it has been classified as a Variant of Uncertain Significance. Algorithms developed to predict the effect of missense changes on protein structure and function (SIFT, PolyPhen-2, Align-GVGD) all suggest that this variant is likely to be tolerated. This variant has not been reported in the literature in individuals affected with SURF1-related conditions. This variant is not present in population databases (gnomAD no frequency). This sequence change replaces threonine, which is neutral and polar, with serine, which is neutral and polar, at codon 266 of the SURF1 protein (p.Thr266Ser).